The following is an entry in ClinVar:

ClinVar aggregate classification (germline): Benign. Review status: criteria provided, multiple submitters, no conflicts (2 of 4 stars). 2 submissions from 2 submitters: Benign (2). Last evaluated 2018-07-09.

Allele frequency attached by ClinVar (database versions not stated): gnomAD exomes 0.09721 and 0.11288; 1000 Genomes Project 0.10363; 1000 Genomes Project 30x 0.10837; TOPMed 0.11620; gnomAD 0.11768 and 0.11969; ExAC 0.13882.
gnomAD v4.1: 162,287 of 1,434,332 alleles (11%); highest among the groups gnomAD compares: African/African-American, 15%; 9,609 homozygotes.

Submissions (2):

GeneDx
Classification: Benign. Last evaluated: 2018-07-09. Review status: criteria provided, single submitter. Criteria: GeneDx Variant Classification Process June 2021. Collection method: clinical testing. Allele origin: germline. Affected: yes.
Comment: This variant is associated with the following publications: (PMID: 21677697)

Breakthrough Genomics
Classification: Benign. Review status: criteria provided, single submitter. Criteria: ACMG Guidelines, 2015. Collection method: not provided. Allele origin: germline. Inheritance: Autosomal dominant inheritance. Affected: yes.

NM_001060.6(TBXA2R):c.*164C>T

Gene: TBXA2R (thromboxane A2 receptor; minus strand). Cytogenetic location: 19p13.3.
Variant type: single nucleotide variant.
Coding change: c.*164C>T on transcript NM_001060.6 (MANE Select); 164 bases downstream of the stop codon, C replaced by T.
Molecular consequence: 3 prime UTR variant. On other transcripts: intron variant (1).
Genome position (GRCh38, 1-based): chr19:3,595,524, G>A on the plus strand (C>T on the coding strand, the complement: TBXA2R is on the minus strand). VCF-style: chr19-3595524-G-A. GRCh37 (hg19) VCF-style: chr19-3595522-G-A.
Other names: c.983+213C>T (NM_201636.3).
Identifiers: ClinVar variation 1297313 (VCV001297313.3), dbSNP rs13306046, ClinGen allele CA9080683.
Genomic context (GRCh38, chr19:3,595,524, plus strand): 5'-CTCTGGATGGGAAAAAGGGGCCGAGGAAGGGAGAGTGCTTGGTAAAAGGATCAGGGAGGA[G>A]TTGGGGGTCCCCGGGTTGGATTGGGGTCAACCCAAAACCCTGCTGCTGATGCCCACTGTC-3'